The following is an entry in ClinVar:

ClinVar aggregate classification (germline): Uncertain significance (1 of 4 stars; one submission).

Submission:

GeneDx
Classification: Uncertain significance. Last evaluated: 2025-04-16. Review status: criteria provided, single submitter. Criteria: GeneDx Variant Classification Process June 2021. Collection method: clinical testing. Allele origin: germline. Affected: yes.
Comment: Not observed at significant frequency in large population cohorts (gnomAD); In silico analysis supports that this missense variant has a deleterious effect on protein structure/function; Has not been previously published as pathogenic or benign to our knowledge

NM_006950.3(SYN1):c.490G>A (p.Asp164Asn)

Gene: SYN1 (synapsin I; minus strand). Cytogenetic location: Xp11.23.
Variant type: single nucleotide variant.
Coding change: c.490G>A on transcript NM_006950.3 (MANE Select); coding-DNA position 490, G replaced by A.
Protein change: p.Asp164Asn; replaces aspartic acid 164 with asparagine.
Molecular consequence: missense variant.
Genome position (GRCh38, 1-based): chrX:47,606,982, C>T on the plus strand (G>A on the coding strand, the complement: SYN1 is on the minus strand). VCF-style: chrX-47606982-C-T. GRCh37 (hg19) VCF-style: chrX-47466381-C-T.
Other names: c.490G>A, p.Asp164Asn (NM_133499.2); short protein forms D164N.
Identifiers: ClinVar variation 4527117 (VCV004527117.1).
Genomic context (GRCh38, chrX:47,606,982, plus strand): 5'-CAAGGTACCCTTCTTATACTCACCGCACGACCTTCACCCCATTCCGAAGAACTTCCATAT[C>T]CACAGAGAATCCACCATTGGCATGGGCCACAAGGTTGAGATCAGAGAATTCGGCCTGGGA-3'
Protein context (NP_008881.2, residues 154-174): VAHANGGFSV[Asp164Asn]MEVLRNGVKV